The following is an entry in ClinVar:

NM_007194.4(CHEK2):c.353A>T (p.Asp118Val)

Gene: CHEK2 (checkpoint kinase 2; minus strand). Cytogenetic location: 22q12.1.
Variant type: single nucleotide variant.
Coding change: c.353A>T on transcript NM_007194.4 (MANE Select); coding-DNA position 353, A replaced by T.
Protein change: p.Asp118Val; replaces aspartic acid 118 with valine.
Molecular consequence: missense variant.
Genome position (GRCh38, 1-based): chr22:28,725,334, T>A on the plus strand (A>T on the coding strand, the complement: CHEK2 is on the minus strand). VCF-style: chr22-28725334-T-A. GRCh37 (hg19) VCF-style: chr22-29121322-T-A.
Other names: c.482A>T, p.Asp161Val (NM_001005735.3); c.-425A>T (NM_001257387.3); c.353A>T, p.Asp118Val (NM_001349956.3, NM_145862.3); short protein forms D161V, D118V.
Identifiers: ClinVar variation 2865111 (VCV002865111.3), dbSNP rs1555927328, ClinGen allele CA411108180.
Genomic context (GRCh38, chr22:28,725,334, plus strand): 5'-GTTCGGTATTTATCTGTTCTTTTCAGCAGTGGTTCATCAAAGCAATATTCACAGCTTTTG[T>A]CCCTCCCAAACCAGTAGTTGTCATTCACACATTCTGTAATATAAAAGCATGCATCAGAGG-3'
Protein context (NP_009125.1, residues 108-128): CVNDNYWFGR[Asp118Val]KSCEYCFDEP

ClinVar aggregate classification (germline): Uncertain significance (1 of 4 stars; one submission).

Conditions:
Familial cancer of breast. Also called: hereditary breast carcinoma; Hereditary breast cancer; BREAST CANCER, FAMILIAL. Identifiers: Orphanet 227535, MedGen C0346153, MONDO:0016419, OMIM 114480. Disease mechanism: loss of function.

Submission:

Labcorp Genetics (formerly Invitae), Labcorp
Classification: Uncertain significance for Familial cancer of breast. Last evaluated: 2025-02-11. Review status: criteria provided, single submitter. Criteria: Invitae Variant Classification Sherloc (09022015). Collection method: clinical testing. Allele origin: germline.
Comment: This sequence change replaces aspartic acid, which is acidic and polar, with valine, which is neutral and non-polar, at codon 118 of the CHEK2 protein (p.Asp118Val). This variant is not present in population databases (gnomAD no frequency). This variant has not been reported in the literature in individuals affected with CHEK2-related conditions. ClinVar contains an entry for this variant (Variation ID: 2865111). An algorithm developed to predict the effect of missense changes on protein structure and function (PolyPhen-2) suggests that this variant is likely to be disruptive. In summary, the available evidence is currently insufficient to determine the role of this variant in disease. Therefore, it has been classified as a Variant of Uncertain Significance.